The following is an entry in ClinVar:

ClinVar aggregate classification (germline): Uncertain significance (1 of 4 stars; one submission).

Allele frequency attached by ClinVar (database versions not stated): gnomAD exomes 0.00001; TOPMed 0.00002.
gnomAD v4.1: 8 of 1,613,782 alleles (0.0005%); highest among the groups gnomAD compares: Non-Finnish European, 0.00059%; no homozygotes.

Submission:

Labcorp Genetics (formerly Invitae), Labcorp
Classification: Uncertain significance. Last evaluated: 2022-08-05. Review status: criteria provided, single submitter. Criteria: Invitae Variant Classification Sherloc (09022015). Collection method: clinical testing. Allele origin: germline.
Comment: This sequence change replaces glycine, which is neutral and non-polar, with aspartic acid, which is acidic and polar, at codon 2796 of the MYO15A protein (p.Gly2796Asp). This variant is not present in population databases (gnomAD no frequency). This variant has not been reported in the literature in individuals affected with MYO15A-related conditions. Algorithms developed to predict the effect of missense changes on protein structure and function are either unavailable or do not agree on the potential impact of this missense change (SIFT: "Deleterious"; PolyPhen-2: "Not Available"; Align-GVGD: "Class C65"). In summary, the available evidence is currently insufficient to determine the role of this variant in disease. Therefore, it has been classified as a Variant of Uncertain Significance.

NM_016239.4(MYO15A):c.8387G>A (p.Gly2796Asp)

Gene: MYO15A (myosin XVA; plus strand). Cytogenetic location: 17p11.2.
Variant type: single nucleotide variant.
Coding change: c.8387G>A on transcript NM_016239.4 (MANE Select); coding-DNA position 8387, G replaced by A.
Protein change: p.Gly2796Asp; replaces glycine 2796 with aspartic acid.
Molecular consequence: missense variant.
Genome position (GRCh38, 1-based): chr17:18,155,360, G>A. VCF-style: chr17-18155360-G-A. GRCh37 (hg19) VCF-style: chr17-18058674-G-A.
Other names: short protein forms G2796D.
Identifiers: ClinVar variation 1956899 (VCV001956899.2), dbSNP rs2046658404, ClinGen allele CA398627019.